The following is an entry in ClinVar:

ClinVar aggregate classification (germline): Benign. Review status: criteria provided, multiple submitters, no conflicts (2 of 4 stars). 3 submissions from 3 submitters: Benign (3). Last evaluated 2026-01-23.

Allele frequency attached by ClinVar (database versions not stated): ExAC 0.00240; 1000 Genomes Project 0.00719; ESP Exome Variant Server 0.00767; 1000 Genomes Project 30x 0.00812; TOPMed 0.00812.
gnomAD v4.1: 2,198 of 1,614,188 alleles (0.14%); highest among the groups gnomAD compares: African/African-American, 2.6%; 24 homozygotes.

Submissions (3):

Labcorp Genetics (formerly Invitae), Labcorp
Classification: Benign. Last evaluated: 2026-01-23. Review status: criteria provided, single submitter. Criteria: Invitae Variant Classification Sherloc (09022015). Collection method: clinical testing. Allele origin: germline.

Mayo Clinic Laboratories, Mayo Clinic
Classification: Benign. Last evaluated: 2024-08-06. Review status: criteria provided, single submitter. Criteria: ACMG Guidelines, 2015. Collection method: clinical testing. Allele origin: germline. Observed: 4 variant alleles.
Comment: BS1, BS2, BP4, BP7

Breakthrough Genomics
Classification: Benign. Review status: criteria provided, single submitter. Criteria: ACMG Guidelines, 2015. Collection method: not provided. Allele origin: germline. Inheritance: Autosomal recessive inheritance. Affected: yes.

NM_016363.5(GP6):c.363C>G (p.Gly121=)

Gene: GP6 (glycoprotein VI platelet; minus strand). Cytogenetic location: 19q13.42.
Variant type: single nucleotide variant.
Coding change: c.363C>G on transcript NM_016363.5 (MANE Select); coding-DNA position 363, C replaced by G.
Protein change: p.Gly121=; no amino-acid change (glycine 121 retained).
Molecular consequence: synonymous variant.
Genome position (GRCh38, 1-based): chr19:55,027,825, G>C on the plus strand (C>G on the coding strand, the complement: GP6 is on the minus strand). VCF-style: chr19-55027825-G-C. GRCh37 (hg19) VCF-style: chr19-55539193-G-C.
Other names: p.Gly121=; c.363C>G, p.Gly121= (NM_001083899.2, NM_001256017.2).
Identifiers: ClinVar variation 775429 (VCV000775429.11), dbSNP rs79133006, ClinGen allele CA310130285.